The following is an entry in ClinVar:

ClinVar aggregate classification (germline): Uncertain significance. Review status: criteria provided, multiple submitters, no conflicts (2 of 4 stars). 3 submissions from 3 submitters: Uncertain significance (3). Last evaluated 2025-02-19.

Conditions:
Microcephaly and chorioretinopathy 1. Also called: Microcephaly and chorioretinopathy, autosomal recessive, 1. Identifiers: MedGen C3278481, MONDO:0009624, OMIM 251270.
Inborn genetic diseases. Identifiers: MedGen C0950123, MeSH D030342.

Allele frequency attached by ClinVar (database versions not stated): gnomAD 0.00001; gnomAD exomes 0.00001 and 0.00002; ExAC 0.00002; TOPMed 0.00002.
gnomAD v4.1: 15 of 1,613,912 alleles (0.00093%); highest among the groups gnomAD compares: Admixed American, 0.0033%; no homozygotes.

Submissions (3):

Ambry Genetics
Classification: Uncertain significance for Inborn genetic diseases. Last evaluated: 2025-02-19. Review status: criteria provided, single submitter. Criteria: Ambry Variant Classification Scheme 2023. Collection method: clinical testing. Allele origin: germline.

Revvity Omics, Revvity
Classification: Uncertain significance for Microcephaly and chorioretinopathy 1. Last evaluated: 2021-01-25. Review status: criteria provided, single submitter. Criteria: ACMG Guidelines, 2015. Collection method: clinical testing. Allele origin: germline.

Baylor Genetics
Classification: Uncertain significance for Microcephaly and chorioretinopathy 1. Last evaluated: 2020-06-03. Review status: criteria provided, single submitter. Criteria: ACMG Guidelines, 2015. Collection method: clinical testing. Allele origin: unknown. Affected: yes.
Comment: This variant was determined to be of uncertain significance according to ACMG Guidelines, 2015 [PMID:25741868].

NM_020461.4(TUBGCP6):c.548A>C (p.Glu183Ala)

Gene: TUBGCP6 (tubulin gamma complex component 6; minus strand). Cytogenetic location: 22q13.33.
Variant type: single nucleotide variant.
Coding change: c.548A>C on transcript NM_020461.4 (MANE Select); coding-DNA position 548, A replaced by C.
Protein change: p.Glu183Ala; replaces glutamic acid 183 with alanine.
Molecular consequence: missense variant.
Genome position (GRCh38, 1-based): chr22:50,243,912, T>G on the plus strand (A>C on the coding strand, the complement: TUBGCP6 is on the minus strand). VCF-style: chr22-50243912-T-G. GRCh37 (hg19) VCF-style: chr22-50682341-T-G.
Other names: short protein forms E183A.
Identifiers: ClinVar variation 1028658 (VCV001028658.5), dbSNP rs755489573, ClinGen allele CA10309033.